The following is an entry in ClinVar:

NM_014336.5(AIPL1):c.382G>A (p.Ala128Thr)

Gene: AIPL1 (AIP like 1 HSP90 co-chaperone; minus strand). Cytogenetic location: 17p13.2.
Variant type: single nucleotide variant.
Coding change: c.382G>A on transcript NM_014336.5 (MANE Select); coding-DNA position 382, G replaced by A.
Protein change: p.Ala128Thr; replaces alanine 128 with threonine.
Molecular consequence: missense variant. On other transcripts: intron variant (1).
Genome position (GRCh38, 1-based): chr17:6,428,401, C>T on the plus strand (G>A on the coding strand, the complement: AIPL1 is on the minus strand). VCF-style: chr17-6428401-C-T. GRCh37 (hg19) VCF-style: chr17-6331721-C-T.
Other names: c.202G>A, p.Ala68Thr (NM_001033055.3); c.346G>A, p.Ala116Thr (NM_001285399.3); c.316G>A, p.Ala106Thr (NM_001285400.3); c.382G>A, p.Ala128Thr (NM_001285401.3, NM_001285403.4); c.265G>A, p.Ala89Thr (NM_001285402.2); c.277-1344G>A (NM_001033054.3); short protein forms A128T, A68T, A106T, A116T, A89T.
Identifiers: ClinVar variation 841164 (VCV000841164.6), dbSNP rs751216669, ClinGen allele CA8328526.

ClinVar aggregate classification (germline): Uncertain significance. Review status: criteria provided, multiple submitters, no conflicts (2 of 4 stars). 2 submissions from 2 submitters: Uncertain significance (2). Last evaluated 2024-05-27.

Conditions:
Leber congenital amaurosis 4 (LCA4). Identifiers: MedGen C1858386, MONDO:0011458, OMIM 604393.

Allele frequency attached by ClinVar (database versions not stated): ExAC 0.00001; gnomAD 0.00002 and 0.00003; gnomAD exomes 0.00002 and 0.00003; TOPMed 0.00002.
gnomAD v4.1: 51 of 1,613,076 alleles (0.0032%); highest among the groups gnomAD compares: Non-Finnish European, 0.0038%; no homozygotes.

Submissions (2):

Blueprint Genetics
Classification: Uncertain significance. Last evaluated: 2024-05-27. Review status: criteria provided, single submitter. Criteria: ACMG Guidelines, 2015. Collection method: clinical testing. Allele origin: germline.

Labcorp Genetics (formerly Invitae), Labcorp
Classification: Uncertain significance for Leber congenital amaurosis 4. Last evaluated: 2022-08-09. Review status: criteria provided, single submitter. Criteria: Invitae Variant Classification Sherloc (09022015). Collection method: clinical testing. Allele origin: germline.
Comment: This sequence change replaces alanine, which is neutral and non-polar, with threonine, which is neutral and polar, at codon 128 of the AIPL1 protein (p.Ala128Thr). The frequency data for this variant in the population databases is considered unreliable, as metrics indicate poor data quality at this position in the gnomAD database. This variant has not been reported in the literature in individuals affected with AIPL1-related conditions. ClinVar contains an entry for this variant (Variation ID: 841164). Algorithms developed to predict the effect of missense changes on protein structure and function (SIFT, PolyPhen-2, Align-GVGD) all suggest that this variant is likely to be tolerated. In summary, the available evidence is currently insufficient to determine the role of this variant in disease. Therefore, it has been classified as a Variant of Uncertain Significance.